The following is an entry in ClinVar:

NM_001367916.1(MAGT1):c.644A>G (p.Asn215Ser)

Gene: MAGT1 (magnesium transporter 1; minus strand). Cytogenetic location: Xq21.1.
Variant type: single nucleotide variant.
Coding change: c.644A>G on transcript NM_001367916.1 (MANE Select); coding-DNA position 644, A replaced by G.
Protein change: p.Asn215Ser; replaces asparagine 215 with serine.
Molecular consequence: missense variant.
Genome position (GRCh38, 1-based): chrX:77,856,761, T>C on the plus strand (A>G on the coding strand, the complement: MAGT1 is on the minus strand). VCF-style: chrX-77856761-T-C. GRCh37 (hg19) VCF-style: chrX-77112258-T-C.
Other names: c.740A>G, p.Asn247Ser (NM_032121.5); short protein forms N215S, N247S.
Identifiers: ClinVar variation 1700477 (VCV001700477.8), dbSNP rs2149018211, ClinGen allele CA413713638.
Genomic context (GRCh38, chrX:77,856,761, plus strand): 5'-AAATAATTTTTTGTCTTCTGAAATTCACTCACCAAAGCTGCAAAAGCCCATCCAGTTTTA[T>C]TAAAGAGAAATTCCATATTACTTCTTCGAAGATACACAAGTCCACCAATAACAGCCAAAA-3'
Protein context (NP_001354845.1, residues 205-225): LRRSNMEFLF[Asn215Ser]KTGWAFAALC

ClinVar aggregate classification (germline): Uncertain significance. Review status: criteria provided, multiple submitters, no conflicts (2 of 4 stars). 3 submissions from 3 submitters: Uncertain significance (3). Last evaluated 2024-04-12.

Conditions:
X-linked immunodeficiency with magnesium defect, Epstein-Barr virus infection and neoplasia. Identifiers: Orphanet 317476, MedGen C3275445, MONDO:0010455, OMIM 300853.

gnomAD v4.1: 1 of 1,209,617 alleles (0.000083%); highest among the groups gnomAD compares: Non-Finnish European, 0.00011%; no homozygotes.

Submissions (3):

Labcorp Genetics (formerly Invitae), Labcorp
Classification: Uncertain significance for X-linked immunodeficiency with magnesium defect, Epstein-Barr virus infection and neoplasia. Last evaluated: 2024-04-12. Review status: criteria provided, single submitter. Criteria: Invitae Variant Classification Sherloc (09022015). Collection method: clinical testing. Allele origin: germline.
Comment: This sequence change replaces asparagine, which is neutral and polar, with serine, which is neutral and polar, at codon 247 of the MAGT1 protein (p.Asn247Ser). This variant is not present in population databases (gnomAD no frequency). This variant has not been reported in the literature in individuals affected with MAGT1-related conditions. ClinVar contains an entry for this variant (Variation ID: 1700477). Advanced modeling of protein sequence and biophysical properties (such as structural, functional, and spatial information, amino acid conservation, physicochemical variation, residue mobility, and thermodynamic stability) performed at Invitae indicates that this missense variant is not expected to disrupt MAGT1 protein function with a negative predictive value of 80%. In summary, the available evidence is currently insufficient to determine the role of this variant in disease. Therefore, it has been classified as a Variant of Uncertain Significance.

GeneDx
Classification: Uncertain significance. Last evaluated: 2022-02-04. Review status: criteria provided, single submitter. Criteria: GeneDx Variant Classification Process June 2021. Collection method: clinical testing. Allele origin: germline. Affected: yes.
Comment: Not observed at significant frequency in large population cohorts (gnomAD); In silico analysis supports that this missense variant has a deleterious effect on protein structure/function; Has not been previously published as pathogenic or benign to our knowledge

Blueprint Genetics
Classification: Uncertain significance. Last evaluated: 2021-02-23. Review status: criteria provided, single submitter. Criteria: ACMG Guidelines, 2015. Collection method: clinical testing. Allele origin: germline.